The following is an entry in ClinVar:

NM_022437.3(ABCG8):c.1922A>T (p.Tyr641Phe)

Gene: ABCG8 (ATP binding cassette subfamily G member 8; plus strand). Cytogenetic location: 2p21.
Variant type: single nucleotide variant.
Coding change: c.1922A>T on transcript NM_022437.3 (MANE Select); coding-DNA position 1922, A replaced by T.
Protein change: p.Tyr641Phe; replaces tyrosine 641 with phenylalanine.
Molecular consequence: missense variant.
Genome position (GRCh38, 1-based): chr2:43,877,813, A>T. VCF-style: chr2-43877813-A-T. GRCh37 (hg19) VCF-style: chr2-44104952-A-T.
Other names: c.1922A>T (NM_022437.2); c.1919A>T, p.Tyr640Phe (NM_001357321.2); short protein forms Y640F, Y641F.
Identifiers: ClinVar variation 4077817 (VCV004077817.3).

ClinVar aggregate classification (germline): Uncertain significance. Review status: criteria provided, multiple submitters, no conflicts (2 of 4 stars). 3 submissions from 3 submitters: Uncertain significance (3). Last evaluated 2026-05-06.

Conditions:
Sitosterolemia 1. Identifiers: MedGen C2749759, MONDO:0020747, OMIM 210250.
ABCG8-related disorder. Also called: ABCG8-related condition.

gnomAD v4.1: 420 of 1,613,906 alleles (0.026%); highest among the groups gnomAD compares: Non-Finnish European, 0.034%; no homozygotes.

Submissions (3):

PreventionGenetics, part of Exact Sciences
Classification: Uncertain significance for ABCG8-related condition. Last evaluated: 2026-05-06. Review status: criteria provided, single submitter. Criteria: ACMG Guidelines, 2015. Collection method: clinical testing. Allele origin: germline.
Comment: The ABCG8 c.1922A>T variant is predicted to result in the amino acid substitution p.Tyr641Phe. To our knowledge, this variant has not been reported in the literature. This variant is reported in 0.047% of alleles in individuals of European (Non-Finnish) descent in gnomAD. Although we suspect that this variant may be benign, at this time, the clinical significance of this variant is uncertain due to the absence of conclusive functional and genetic evidence.

Labcorp Genetics (formerly Invitae), Labcorp
Classification: Uncertain significance. Last evaluated: 2026-01-13. Review status: criteria provided, single submitter. Criteria: Invitae Variant Classification Sherloc (09022015). Collection method: clinical testing. Allele origin: germline.
Comment: This sequence change replaces tyrosine, which is neutral and polar, with phenylalanine, which is neutral and non-polar, at codon 641 of the ABCG8 protein (p.Tyr641Phe). This variant is present in population databases (rs145125968, gnomAD 0.05%). This variant has not been reported in the literature in individuals affected with ABCG8-related conditions. ClinVar contains an entry for this variant (Variation ID: 4077817). Invitae Evidence Modeling of protein sequence and biophysical properties (such as structural, functional, and spatial information, amino acid conservation, physicochemical variation, residue mobility, and thermodynamic stability) indicates that this missense variant is not expected to disrupt ABCG8 protein function with a negative predictive value of 80%. In summary, the available evidence is currently insufficient to determine the role of this variant in disease. Therefore, it has been classified as a Variant of Uncertain Significance.

Revvity Omics, Revvity
Classification: Uncertain significance for Sitosterolemia 1. Last evaluated: 2024-02-20. Review status: criteria provided, single submitter. Criteria: ACMG Guidelines, 2015. Collection method: clinical testing. Allele origin: germline.